The following is an entry in ClinVar:

ClinVar aggregate classification (germline): Uncertain significance (1 of 4 stars; one submission).

Submission:

GeneDx
Classification: Uncertain significance. Last evaluated: 2024-11-22. Review status: criteria provided, single submitter. Criteria: GeneDx Variant Classification Process June 2021. Collection method: clinical testing. Allele origin: germline. Affected: yes.
Comment: Not observed at significant frequency in large population cohorts (gnomAD); In silico analysis indicates that this missense variant does not alter protein structure/function; Has not been previously published as pathogenic or benign to our knowledge

NM_022552.5(DNMT3A):c.506G>T (p.Arg169Leu)

Gene: DNMT3A (DNA methyltransferase 3 alpha; minus strand). Cytogenetic location: 2p23.3.
Variant type: single nucleotide variant.
Coding change: c.506G>T on transcript NM_022552.5 (MANE Select); coding-DNA position 506, G replaced by T.
Protein change: p.Arg169Leu; replaces arginine 169 with leucine.
Molecular consequence: missense variant. On other transcripts: non-coding transcript variant (1).
Genome position (GRCh38, 1-based): chr2:25,275,074, C>A on the plus strand (G>T on the coding strand, the complement: DNMT3A is on the minus strand). VCF-style: chr2-25275074-C-A. GRCh37 (hg19) VCF-style: chr2-25497943-C-A.
Other names: c.506G>T, p.Arg169Leu (NM_175629.2); short protein forms R169L.
Identifiers: ClinVar variation 3900073 (VCV003900073.1).
Genomic context (GRCh38, chr2:25,275,074, plus strand): 5'-GTGAGCCTCGGCATGGGCCGCTGACGGAGGCTGGACTCCCAGCCCAAGCCACCCCGCAGC[C>A]GGCCCCGGGAGCCCTAGGACAGAGAGACAGACATTAGGGCATTAGGGTGGGCACTGACGG-3'
Protein context (NP_072046.2, residues 159-179): ESMKMEGSRG[Arg169Leu]LRGGLGWESS